The following is an entry in ClinVar:

NM_017662.5(TRPM6):c.3107A>G (p.Gln1036Arg)

Gene: TRPM6 (transient receptor potential cation channel subfamily M member 6; minus strand). Cytogenetic location: 9q21.13.
Variant type: single nucleotide variant.
Coding change: c.3107A>G on transcript NM_017662.5 (MANE Select); coding-DNA position 3107, A replaced by G.
Protein change: p.Gln1036Arg; replaces glutamine 1036 with arginine.
Molecular consequence: missense variant.
Genome position (GRCh38, 1-based): chr9:74,782,464, T>C on the plus strand (A>G on the coding strand, the complement: TRPM6 is on the minus strand). VCF-style: chr9-74782464-T-C. GRCh37 (hg19) VCF-style: chr9-77397380-T-C.
Other names: c.3092A>G, p.Gln1031Arg (NM_001177310.2, NM_001177311.2); short protein forms Q1031R, Q1036R.
Identifiers: ClinVar variation 1959567 (VCV001959567.5), dbSNP rs2489967096, ClinGen allele CA373670857.

ClinVar aggregate classification (germline): Uncertain significance (1 of 4 stars; one submission).

Allele frequency attached by ClinVar (database versions not stated): gnomAD exomes below 0.00001.
gnomAD v4.1: 1 of 1,613,884 alleles (0.000062%); highest among the groups gnomAD compares: Non-Finnish European, 0.000085%; no homozygotes.

Submission:

Labcorp Genetics (formerly Invitae), Labcorp
Classification: Uncertain significance. Last evaluated: 2024-05-07. Review status: criteria provided, single submitter. Criteria: Invitae Variant Classification Sherloc (09022015). Collection method: clinical testing. Allele origin: germline.
Comment: This sequence change replaces glutamine, which is neutral and polar, with arginine, which is basic and polar, at codon 1036 of the TRPM6 protein (p.Gln1036Arg). This variant is not present in population databases (gnomAD no frequency). This variant has not been reported in the literature in individuals affected with TRPM6-related conditions. ClinVar contains an entry for this variant (Variation ID: 1959567). Advanced modeling of protein sequence and biophysical properties (such as structural, functional, and spatial information, amino acid conservation, physicochemical variation, residue mobility, and thermodynamic stability) performed at Invitae indicates that this missense variant is not expected to disrupt TRPM6 protein function with a negative predictive value of 80%. In summary, the available evidence is currently insufficient to determine the role of this variant in disease. Therefore, it has been classified as a Variant of Uncertain Significance.